The following is an entry in ClinVar:

NM_012096.3(APPL1):c.1220G>A (p.Arg407Lys)

Gene: APPL1 (adaptor protein, phosphotyrosine interacting with PH domain and leucine zipper 1; plus strand). Cytogenetic location: 3p14.3.
Variant type: single nucleotide variant.
Coding change: c.1220G>A on transcript NM_012096.3 (MANE Select); coding-DNA position 1220, G replaced by A.
Protein change: p.Arg407Lys; replaces arginine 407 with lysine.
Molecular consequence: missense variant.
Genome position (GRCh38, 1-based): chr3:57,257,024, G>A. VCF-style: chr3-57257024-G-A. GRCh37 (hg19) VCF-style: chr3-57291052-G-A.
Other names: short protein forms R407K.
Identifiers: ClinVar variation 3653215 (VCV003653215.2).

ClinVar aggregate classification (germline): Uncertain significance (1 of 4 stars; one submission).

gnomAD v4.1: 1 of 1,614,162 alleles (0.000062%); highest among the groups gnomAD compares: African/African-American, 0.0013%; no homozygotes.

Submission:

Labcorp Genetics (formerly Invitae), Labcorp
Classification: Uncertain significance. Last evaluated: 2024-05-13. Review status: criteria provided, single submitter. Criteria: Invitae Variant Classification Sherloc (09022015). Collection method: clinical testing. Allele origin: germline.
Comment: This sequence change replaces arginine, which is basic and polar, with lysine, which is basic and polar, at codon 407 of the APPL1 protein (p.Arg407Lys). This variant is not present in population databases (gnomAD no frequency). This variant has not been reported in the literature in individuals affected with APPL1-related conditions. Advanced modeling of protein sequence and biophysical properties (such as structural, functional, and spatial information, amino acid conservation, physicochemical variation, residue mobility, and thermodynamic stability) performed at Invitae indicates that this missense variant is not expected to disrupt APPL1 protein function with a negative predictive value of 80%. In summary, the available evidence is currently insufficient to determine the role of this variant in disease. Therefore, it has been classified as a Variant of Uncertain Significance.